The following is an entry in ClinVar:

NM_000176.3(NR3C1):c.1469-11_1469-8del

Gene: NR3C1 (nuclear receptor subfamily 3 group C member 1; minus strand). Cytogenetic location: 5q31.3.
Variant type: Deletion.
Coding change: c.1469-11_1469-8del on transcript NM_000176.3 (MANE Select); 11 bases into the intron before coding-DNA position 1469 through 8 bases into the intron before coding-DNA position 1469, 4 bases deleted (AATA; older notation c.1469-11_1469-8delAATA).
Molecular consequence: intron variant.
Genome position (GRCh38, 1-based): chr5:143,300,771-143,300,774, TATT deleted on the plus strand (AATA on the coding strand, the reverse complement: NR3C1 is on the minus strand); deleting any 4 consecutive bases within chr5:143,300,771-143,300,776 gives the same sequence; the c. name uses the placement nearest the transcript's 3' end. VCF-style (leftmost placement, unchanged base first): chr5-143300770-GTATT-G. GRCh37 (hg19) VCF-style: chr5-142680335-GTATT-G.
Other names: c.1469-11_1469-8del (NM_001018075.1, NM_001018074.1, NM_001018077.1 and 6 more transcripts); c.1472-11_1472-8del (NM_001364183.2, NM_001364184.2, NM_001024094.2 and 1 more transcripts); c.1391-11_1391-8del (NM_001204258.2); c.1214-11_1214-8del (NM_001204259.2); c.1202-11_1202-8del (NM_001204260.2); c.1178-11_1178-8del (NM_001204261.2); c.524-11_524-8del (NM_001204262.2); c.479-11_479-8del (NM_001204263.2); and 2 more.
Identifiers: ClinVar variation 1656523 (VCV001656523.9), dbSNP rs756912607, ClinGen allele CA3486854.
Genomic context (GRCh38, chr5:143,300,770, plus strand): 5'-AGACTCCTGTAGTGGCCTGCTGAATTCCTTTTATTTTTTTCTTTGTTTTTCGAGCTGTGG[GTATT>G]TAAACAAATACATAGAAATGAACTGTAATGGGAAGGTCTGCGCTACACAGTTTATTCAAG-3'

ClinVar aggregate classification (germline): Benign/Likely benign. Review status: criteria provided, multiple submitters, no conflicts (2 of 4 stars). 2 submissions from 2 submitters: Benign (1); Likely benign (1). Last evaluated 2024-07-19.

Submissions (2):

Women's Health and Genetics/Laboratory Corporation of America, LabCorp
Classification: Benign. Last evaluated: 2024-07-19. Review status: criteria provided, single submitter. Criteria: LabCorp Variant Classification Summary - May 2015. Collection method: clinical testing. Allele origin: germline.
Comment: Variant summary: NR3C1 c.1469-11_1469-8delAATA alters a nucleotide located close to a canonical splice site and therefore could affect mRNA splicing, leading to a significantly altered protein sequence. Consensus agreement among computation tools predict no significant impact on normal splicing. However, these predictions have yet to be confirmed by functional studies. The variant allele was found at a frequency of 0.00012 in 249098 control chromosomes, predominantly at a frequency of 0.001 within the African or African-American subpopulation in the gnomAD database. The observed variant frequency within African or African-American control individuals in the gnomAD database exceeds the estimated maximal expected allele frequency for a pathogenic variant in NR3C1 causing Glucocorticoid Resistance phenotype. To our knowledge, no occurrence of c.1469-11_1469-8delAATA in individuals affected with Glucocorticoid Resistance and no experimental evidence demonstrating its impact on protein function have been reported. ClinVar contains an entry for this variant (Variation ID: 1656523). Based on the evidence outlined above, the variant was classified as benign.

Labcorp Genetics (formerly Invitae), Labcorp
Classification: Likely benign. Last evaluated: 2021-07-26. Review status: criteria provided, single submitter. Criteria: Invitae Variant Classification Sherloc (09022015). Collection method: clinical testing. Allele origin: germline.